The following is an entry in ClinVar:

NM_015404.4(WHRN):c.1696G>C (p.Val566Leu)

Gene: WHRN (whirlin; minus strand). Cytogenetic location: 9q32.
Variant type: single nucleotide variant.
Coding change: c.1696G>C on transcript NM_015404.4 (MANE Select); coding-DNA position 1696, G replaced by C.
Protein change: p.Val566Leu; replaces valine 566 with leucine.
Molecular consequence: missense variant.
Genome position (GRCh38, 1-based): chr9:114,407,949, C>G on the plus strand (G>C on the coding strand, the complement: WHRN is on the minus strand). VCF-style: chr9-114407949-C-G. GRCh37 (hg19) VCF-style: chr9-117170229-C-G.
Other names: c.547G>C, p.Val183Leu (NM_001083885.3); c.1696G>C, p.Val566Leu (NM_001173425.2); c.643G>C, p.Val215Leu (NM_001346890.1); c.1696G>C (NM_015404.2); short protein forms V566L, V215L, V183L.
Identifiers: ClinVar variation 45662 (VCV000045662.17), dbSNP rs189654215, ClinGen allele CA136896.
Genomic context (GRCh38, chr9:114,407,949, plus strand): 5'-CCACCAGGACCTGAGCACACCAGGGAGAGCAGAACCAAAGGGCCAGCCAGGGCCTTACCA[C>G]GGACACATCTGGGAGGGCGTTGATATTGCCCTGGACAGCCTCGCCAGTTTCCTCCAGGTC-3'
Protein context (NP_056219.3, residues 556-576): GNINALPDVS[Val566Leu]DDVRSTSQGL

ClinVar aggregate classification (germline): Conflicting classifications of pathogenicity. Review status: criteria provided, conflicting classifications (1 of 4 stars). 5 submissions from 5 submitters: Uncertain significance (4); Likely benign (1). Last evaluated 2025-06-15.

Conditions:
WHRN-related disorder. Also called: WHRN-related condition.

Allele frequency attached by ClinVar (database versions not stated): 1000 Genomes Project 0.00040; gnomAD 0.00010; TOPMed 0.00017; 1000 Genomes Project 30x 0.00031.
gnomAD v4.1: 23 of 1,599,926 alleles (0.0014%); highest among the groups gnomAD compares: African/African-American, 0.029%; no homozygotes.

Submissions (5):

PreventionGenetics, part of Exact Sciences
Classification: Uncertain significance for WHRN-related condition. Last evaluated: 2025-06-15. Review status: criteria provided, single submitter. Criteria: ACMG Guidelines, 2015. Collection method: clinical testing. Allele origin: germline.
Comment: The WHRN c.1696G>C variant is predicted to result in the amino acid substitution p.Val566Leu. To our knowledge, this variant has not been reported in the literature. This variant is reported in 0.031% of alleles in individuals of African descent in gnomAD. At this time, the clinical significance of this variant is uncertain due to the absence of conclusive functional and genetic evidence.

GeneDx
Classification: Uncertain significance. Last evaluated: 2025-04-03. Review status: criteria provided, single submitter. Criteria: GeneDx Variant Classification Process June 2021. Collection method: clinical testing. Allele origin: germline. Affected: yes.
Comment: In silico analysis indicates that this missense variant does not alter protein structure/function; Has not been previously published as pathogenic or benign to our knowledge

Labcorp Genetics (formerly Invitae), Labcorp
Classification: Uncertain significance. Last evaluated: 2024-08-08. Review status: criteria provided, single submitter. Criteria: Invitae Variant Classification Sherloc (09022015). Collection method: clinical testing. Allele origin: germline.
Comment: This sequence change replaces valine, which is neutral and non-polar, with leucine, which is neutral and non-polar, at codon 566 of the WHRN protein (p.Val566Leu). This variant is present in population databases (rs189654215, gnomAD 0.03%). This variant has not been reported in the literature in individuals affected with WHRN-related conditions. ClinVar contains an entry for this variant (Variation ID: 45662). An algorithm developed to predict the effect of missense changes on protein structure and function outputs the following: PolyPhen-2: "Benign". The leucine amino acid residue is found in multiple mammalian species, which suggests that this missense change does not adversely affect protein function. In summary, the available evidence is currently insufficient to determine the role of this variant in disease. Therefore, it has been classified as a Variant of Uncertain Significance.

Blueprint Genetics
Classification: Uncertain significance. Last evaluated: 2021-12-23. Review status: criteria provided, single submitter. Criteria: ACMG Guidelines, 2015. Collection method: clinical testing. Allele origin: germline.

Laboratory for Molecular Medicine, Mass General Brigham Personalized Medicine
Classification: Likely benign. Last evaluated: 2011-10-05. Review status: criteria provided, single submitter. Criteria: LMM Criteria. Collection method: clinical testing. Allele origin: germline. Observed: 1 variant allele.
Comment: Val566Leu in exon 8 of DFNB31: This variant is not expected to have clinical sig nificance because dog, cat, cow, chicken, frog, elephant, and opossum have a leu cine at this position despite high nearby amino acid conservation. The Val566Leu variant occurs in the third to last three base of the exon which is part of the splicing consensus sequence. However, splicing prediction programs suggest no i mpact to splicing.